The following is an entry in ClinVar:

ClinVar aggregate classification (germline): Uncertain significance (1 of 4 stars; one submission).

Conditions:
Developmental and epileptic encephalopathy, 1 (DEE1). Also called: X-linked infantile spasms; West's syndrome; Tonic spasms with clustering, arrest of psychomotor development and hypsarrhythmia on EEG; X-Linked Infantile Spasm Syndrome; OHTAHARA SYNDROME, X-LINKED; INFANTILE SPASM SYNDROME, X-LINKED 1. Identifiers: MedGen C3463992, MONDO:0010632, OMIM 308350. Disease mechanism: loss of function.
Intellectual disability, X-linked, with or without seizures, ARX-related. Also called: INTELLECTUAL DEVELOPMENTAL DISORDER, X-LINKED 29; Mental retardation, X-linked 52; MENTAL RETARDATION, X-LINKED 29; MENTAL RETARDATION, X-LINKED 32; MENTAL RETARDATION, X-LINKED 33; MENTAL RETARDATION, X-LINKED 38. Identifiers: Orphanet 777, MedGen C0796244, MONDO:0010317, OMIM 300419.

Submission:

Labcorp Genetics (formerly Invitae), Labcorp
Classification: Uncertain significance for Developmental and epileptic encephalopathy, 1; Intellectual disability, X-linked, with or without seizures, ARX-related. Last evaluated: 2021-11-28. Review status: criteria provided, single submitter. Criteria: Invitae Variant Classification Sherloc (09022015). Collection method: clinical testing. Allele origin: germline.
Comment: In summary, the available evidence is currently insufficient to determine the role of this variant in disease. Therefore, it has been classified as a Variant of Uncertain Significance. Algorithms developed to predict the effect of missense changes on protein structure and function are either unavailable or do not agree on the potential impact of this missense change (SIFT: "Deleterious"; PolyPhen-2: "Possibly Damaging"; Align-GVGD: "Class C0"). This variant has not been reported in the literature in individuals affected with ARX-related conditions. This variant is not present in population databases (gnomAD no frequency). This sequence change replaces proline, which is neutral and non-polar, with serine, which is neutral and polar, at codon 263 of the ARX protein (p.Pro263Ser).

NM_139058.3(ARX):c.787C>T (p.Pro263Ser)

Gene: ARX (aristaless related homeobox; minus strand). Cytogenetic location: Xp21.3.
Variant type: single nucleotide variant.
Coding change: c.787C>T on transcript NM_139058.3 (MANE Select); coding-DNA position 787, C replaced by T.
Protein change: p.Pro263Ser; replaces proline 263 with serine.
Molecular consequence: missense variant.
Genome position (GRCh38, 1-based): chrX:25,013,208, G>A on the plus strand (C>T on the coding strand, the complement: ARX is on the minus strand). VCF-style: chrX-25013208-G-A. GRCh37 (hg19) VCF-style: chrX-25031325-G-A.
Other names: short protein forms P263S.
Identifiers: ClinVar variation 1486419 (VCV001486419.6), dbSNP rs2147323801, ClinGen allele CA412612425.